The following is an entry in ClinVar:

ClinVar aggregate classification (germline): Conflicting classifications of pathogenicity. Review status: criteria provided, conflicting classifications (1 of 4 stars). 2 submissions from 2 submitters: Likely pathogenic (1); Uncertain significance (1). Last evaluated 2026-08-13.

Conditions:
Deficiency of steroid 11-beta-monooxygenase (CYP11B1). Also called: ADRENAL HYPERPLASIA, CONGENITAL, DUE TO STEROID 11-BETA-HYDROXYLASE DEFICIENCY; 11-BETA-HYDROXYLASE DEFICIENCY; P450C11B1 DEFICIENCY; ADRENAL HYPERPLASIA IV; STEROID 11-BETA-HYDROXYLASE DEFICIENCY; Congenital adrenal hyperplasia due to 11-beta-hydroxylase deficiency. Identifiers: Orphanet 90795, MedGen C0268292, MONDO:0008729, OMIM 202010. Disease mechanism: loss of function.

Submissions (2):

Myriad Genetics, Inc.
Classification: Uncertain significance for Deficiency of steroid 11-beta-monooxygenase. Last evaluated: 2026-08-13. Review status: criteria provided, single submitter. Criteria: Myriad Autosomal Dominant, Autosomal Recessive and X-Linked Classification Criteria (2023). Collection method: clinical testing. Allele origin: unknown.
Comment: NM_000497.3(CYP11B1):c.125C>G(P42R) is a missense variant classified as a variant of uncertain significance in the context of congenital adrenal hyperplasia, CYP11B1-related. P42R has not been observed in cases with relevant disease. Relevant functional assessments of this variant are not available in the literature. P42R has not been observed in referenced population frequency databases. In summary, there is insufficient evidence to classify NM_000497.3(CYP11B1):c.125C>G(P42R) as pathogenic or benign. Please note: this variant was assessed in the context of healthy population screening.

Labcorp Genetics (formerly Invitae), Labcorp
Classification: Likely pathogenic. Last evaluated: 2023-04-18. Review status: criteria provided, single submitter. Criteria: Invitae Variant Classification Sherloc (09022015). Collection method: clinical testing. Allele origin: germline.
Comment: This sequence change replaces proline, which is neutral and non-polar, with arginine, which is basic and polar, at codon 42 of the CYP11B1 protein (p.Pro42Arg). This variant is not present in population databases (gnomAD no frequency). In summary, the currently available evidence indicates that the variant is pathogenic, but additional data are needed to prove that conclusively. Therefore, this variant has been classified as Likely Pathogenic. This variant disrupts the p.Pro42 amino acid residue in CYP11B1. Other variant(s) that disrupt this residue have been determined to be pathogenic (PMID: 26053152; Invitae). This suggests that this residue is clinically significant, and that variants that disrupt this residue are likely to be disease-causing. Advanced modeling of protein sequence and biophysical properties (such as structural, functional, and spatial information, amino acid conservation, physicochemical variation, residue mobility, and thermodynamic stability) performed at Invitae indicates that this missense variant is expected to disrupt CYP11B1 protein function. ClinVar contains an entry for this variant (Variation ID: 2115216). This variant has not been reported in the literature in individuals affected with CYP11B1-related conditions.

Literature cited by the submitters: PubMed 26053152 (cited by Labcorp Genetics (formerly Invitae), Labcorp).

NM_000497.4(CYP11B1):c.125C>G (p.Pro42Arg)

Gene: CYP11B1 (cytochrome P450 family 11 subfamily B member 1; minus strand). Cytogenetic location: 8q24.3.
Variant type: single nucleotide variant.
Coding change: c.125C>G on transcript NM_000497.4 (MANE Select); coding-DNA position 125, C replaced by G.
Protein change: p.Pro42Arg; replaces proline 42 with arginine.
Molecular consequence: missense variant.
Genome position (GRCh38, 1-based): chr8:142,879,689, G>C on the plus strand (C>G on the coding strand, the complement: CYP11B1 is on the minus strand). VCF-style: chr8-142879689-G-C. GRCh37 (hg19) VCF-style: chr8-143961105-G-C.
Other names: c.125C>G, p.Pro42Arg (NM_001026213.1); short protein forms P42R.
Identifiers: ClinVar variation 2115216 (VCV002115216.5), dbSNP rs193922538, ClinGen allele CA372397296.
Genomic context (GRCh38, chr8:142,879,689, plus strand): 5'-TCATAACCCTGCTCCCTCCAGATCTGCAGCAGCCTCAGCCACCTGTTGCCTGGACGCCGG[G>C]GCATGGCTTCAAAGGGCAGCACTGTCCTGGGGACCCGGGCGGCTCTCGTGCCCAGTGCCT-3'
Protein context (NP_000488.3, residues 32-52): PRTVLPFEAM[Pro42Arg]RRPGNRWLRL